The following is an entry in ClinVar:

ClinVar aggregate classification (germline): Pathogenic/Likely pathogenic. Review status: criteria provided, multiple submitters, no conflicts (2 of 4 stars). 14 submissions from 14 submitters: Pathogenic (11); Likely pathogenic (1). 2 of the submissions do not count toward it. Last evaluated 2025-12-30.

Conditions:
FANCA-related disorders.
Fanconi anemia (FA). Also called: Fanconi's anemia. Identifiers: Orphanet 84, MedGen C0015625, MeSH D005199, MONDO:0019391.
Fanconi anemia complementation group A (FANCA). Also called: Fanconi anemia, group A; FANCA-Related Fanconi Anemia. Identifiers: Orphanet 84, MedGen C3469521, MONDO:0009215, OMIM 227650.

Allele frequency attached by ClinVar (database versions not stated): gnomAD 0.00004 and 0.00005; ExAC 0.00008.

Submissions 1 to 7 of 14:

Labcorp Genetics (formerly Invitae), Labcorp
Classification: Pathogenic for Fanconi anemia. Last evaluated: 2025-12-30. Review status: criteria provided, single submitter. Criteria: Invitae Variant Classification Sherloc (09022015). Collection method: clinical testing. Allele origin: germline.
Comment: This sequence change affects the initiator codon of the FANCA mRNA. This change may impact translation initiation or efficiency. The next in-frame methionine is located at codon 116. This variant is present in population databases (rs769479800, gnomAD 0.01%). Disruption of the initiator codon has been observed in individuals with Fanconi anemia (PMID: 10090479, 15643609, 16084127, 22778927, 23898106, 24584348). ClinVar contains an entry for this variant (Variation ID: 554309). For these reasons, this variant has been classified as Pathogenic.

Natera, Inc.
Classification: Pathogenic for Fanconi anemia. Last evaluated: 2025-10-10. Review status: criteria provided, single submitter. Criteria: Natera Variant Classification Schema (03/2026). Collection method: clinical testing. Allele origin: germline.
Comment: The c.2T>C variant in FANCA is predicted to result in start loss due to disruption of the initiator methionine. This variant is expected to result in nonsense mediated decay, truncation, or a dysfunctional protein product. This variant is rare in the general population with a frequency below the threshold expected for the associated phenotype(s). This variant has been observed in one or more individuals affected with the associated recessive disease, as either homozygous or compound heterozygous with a second variant (PMID: 22778927). Given the available evidence, this variant is classified as Pathogenic.

ARUP Laboratories, Molecular Genetics and Genomics, ARUP Laboratories
Classification: Pathogenic for Fanconi anemia complementation group A. Last evaluated: 2025-04-16. Review status: criteria provided, single submitter. Criteria: ARUP Molecular Germline Variant Investigation Process 2024. Collection method: clinical testing. Allele origin: germline.
Comment: The FANCA c.2T>C; p.Met1? variant (rs769479800, ClinVar Variation ID 554309) is reported in the literature in individuals affected with Fanconi anemia (Altintas 2023, Levran 2005, Li 2018, Mori 2019). This variant is only observed on six alleles in the Genome Aggregation Database (v2.1.1), indicating it is not a common polymorphism. Additionally, other variants at this codon (c.2T>G, p.M1?; c.1A>C, p.Met1?; c.1A>T, p.Met1?; c.2T>A, p.Met1? and c.1A>G, p.Met1?) have been reported in individuals with Fanconi anemia (Altintas 2023, Levran 2005). Functional analyses by complementation assay show c.2T>C; p.Met1? variant is non-functional (Li 2018). This variant abolishes the canonical translation initiation site, which is likely to disrupt gene function. Based on available information, this variant is considered to be pathogenic. References: Altintas B et al. Genotype-phenotype and outcome associations in patients with Fanconi anemia: the National Cancer Institute cohort. Haematologica. 2023 Jan 1. PMID: 35417938. Levran O et al. Spectrum of sequence variations in the FANCA gene: an International Fanconi Anemia Registry (IFAR) study. Hum Mutat. 2005 Feb. PMID: 15643609. Li N et al. Functional analysis of Fanconi anemia mutations in China. Exp Hematol. 2018 Oct. PMID: 30031030. Mori M et al. Pathogenic mutations identified by a multimodality approach in 117 Japanese Fanconi anemia patients. Haematologica. 2019 Oct. PMID: 30792206.

Fulgent Genetics
Classification: Pathogenic for Fanconi anemia complementation group A. Last evaluated: 2024-06-25. Review status: criteria provided, single submitter. Criteria: ACMG Guidelines, 2015. Collection method: clinical testing. Allele origin: germline.

Women's Health and Genetics/Laboratory Corporation of America, LabCorp
Classification: Pathogenic for Fanconi anemia. Last evaluated: 2023-10-27. Review status: criteria provided, single submitter. Criteria: LabCorp Variant Classification Summary - May 2015. Collection method: clinical testing. Allele origin: germline.
Comment: Variant summary: FANCA c.2T>C (p.Met1Thr) alters the initiation codon and is predicted to result either in absence of the protein or truncation of the encoded protein due to translation initiation at a downstream codon. The next in-frame methionine is located at codon 116. Three of three in-silico tools predict a damaging effect of the variant on protein function. The variant allele was found at a frequency of 4.1e-05 in 120628 control chromosomes (gnomAD). c.2T>C has been reported in the literature in multiple individuals affected with Fanconi Anemia (examples: Levran_2005, Pinto_2009, Moghrabi_2009, Gille_2012, Li_2018, and Mori_2019). These data indicate that the variant is very likely to be associated with disease. At least one publication reports experimental evidence evaluating an impact on protein function, in this study this variant was not able to fully rescue MMC sensitivity (Li_2018). The following publications have been ascertained in the context of this evaluation (PMID: 22778927, 15643609, 30031030, 19367192, 30792206, 19278965). Other start loss variants have been classified pathogenic in ClinVar (CV ID 934462, 556239, 554309). Eight submitters have cited clinical-significance assessments for this variant to ClinVar after 2014. All submitters classified the variant as pathogenic. Based on the evidence outlined above, the variant was classified as pathogenic.

Broad Center for Mendelian Genomics, Broad Institute of MIT and Harvard
Classification: Pathogenic for Fanconi anemia complementation group A. Last evaluated: 2023-01-25. Review status: criteria provided, single submitter. Criteria: ACMG Guidelines, 2015. Collection method: curation. Allele origin: germline. Inheritance: Autosomal recessive inheritance.
Comment: Trio exome sequencing analysis revealed that this variant was in trans with another likely pathogenic variant (ClinVar Variation ID: 582405). The p.Met1Thr variant in FANCA has been previously reported in at least six unrelated individuals with Fanconi anemia complementation group A (PMID: 28060124, PMID: 30792206, PMID: 19367192, PMID: 30031030, PMID: 23898106, PMID: 10090479, PMID: 22778927) and segregated with disease in 3 affected members in one family (PMID: 28060124), but has been identified in 0.01% (3/21056) of South Asian chromosomes by the Genome Aggregation Database (gnomAD; dbSNP ID: rs769479800). Although this variant has been seen in the general population in a heterozygous state, its frequency is not high enough to rule out a pathogenic role. This variant has also been reported in ClinVar (Variation ID: 554309) and has been interpreted as pathogenic by Counsyl, Mayo Clinic Laboratories, GeneDx, Invitae, the Leiden Open Variant Database, Natera, Inc, and PerkinElmer Genomics. Of these six unrelated individuals who were previously reported (PMID: 28060124, PMID: 30792206, PMID: 19367192, PMID: 30031030, PMID: 23898106, PMID: 10090479, PMID: 22778927), one was a homozygote (PMID: 10090479), and four were compound heterozygotes who carried a pathogenic or likely pathogenic variants in trans (PMID: 28060124, ClinVar Variation ID: 545114; PMID: 30792206; PMID: 19367192; PMID: 23898106, ClinVar Variation ID: 41003) and one was a compound heterozygote who carried a variant of uncertain significance in trans (PMID: 30031030), and, in addition, the variant was found in trans with a pathogenic variant in the individual identified by our study (ClinVar Variation ID: 582405), which increases the likelihood that the p.Met1Thr variant is pathogenic. Five additional pathogenic or likely pathogenic variants, resulting in a different amino acid change at the same position, c.1A>G (p.Met1Val), c.1A>C (p.Met1Leu), c.1A>T (p.Met1Leu), c.2T>A (p.Met1Lys), c.2T>G (p.Met1Arg), and c.3G>T (p.Met1Ile), have been reported in association with disease in ClinVar, supporting that a change at this position may not be tolerated (Variation ID: 435134, 553521, 553965, 556239, 934462, 555802). In vitro functional studies provide some evidence that the p.Met1Thr variant may slightly impact protein function (PMID: 30031030). However, these types of assays may not accurately represent biological function. This variant is an initiation codon variant with closest in-frame potential start codon at in exon 4 at Met116 and there are 53 variants classified as pathogenic or likely pathogenic in ClinVar (access date 10/10/2022) upstream of closest in-frame potential start codon (Met116). Loss of function is an established disease mechanism of autosomal recessive Fanconi anemia complementation group A. In summary, this variant meets criteria to be classified as pathogenic for autosomal recessive Fanconi anemia complementation group A. ACMG/AMP Criteria applied: PVS1_Moderate, PM3_VeryStrong, PS3_Supporting, PM5, PP1 (Richards 2015).

GeneDx
Classification: Pathogenic. Last evaluated: 2022-11-28. Review status: criteria provided, single submitter. Criteria: GeneDx Variant Classification Process June 2021. Collection method: clinical testing. Allele origin: germline. Affected: yes.
Comment: Identified in patients with Fanconi anemia referred for genetic testing at GeneDx and in published literature (Levran et al., 2005; Li et al., 2018; Mori et al., 2019); Published functional studies demonstrate a damaging effect (Li et al., 2018); Initiation codon variant in a gene for which loss-of-function is a known mechanism of disease; This variant is associated with the following publications: (PMID: 24584348, 10090479, 28060124, 30792206, 23898106, 22778927, 19367192, 16084127, 15643609, 31589614, 30031030)

NM_000135.4(FANCA):c.2T>C (p.Met1Thr)

Genes: FANCA (FA complementation group A; minus strand), LOC112486223 (Sharpr-MPRA regulatory region 3988; plus strand). Cytogenetic location: 16q24.3.
Variant type: single nucleotide variant.
Coding change: c.2T>C on transcript NM_000135.4 (MANE Select); coding-DNA position 2, T replaced by C.
Protein change: p.Met1Thr; changes the start codon (methionine 1).
Molecular consequence: missense variant, initiator codon variant.
Genome position (GRCh38, 1-based): chr16:89,816,614, A>G on the plus strand (T>C on the coding strand, the complement: FANCA is on the minus strand). VCF-style: chr16-89816614-A-G. GRCh37 (hg19) VCF-style: chr16-89883022-A-G.
Other names: NM_000135.4(FANCA):c.2T>C; p.Met1Thr; c.2T>C (NM_000135.3, LRG_495t1); c.2T>C, p.Met1Thr (NM_001018112.3, NM_001286167.3, NM_001351830.2); short protein forms M1T.
Identifiers: ClinVar variation 554309 (VCV000554309.33), dbSNP rs769479800, ClinGen allele CA8253279.